The following is an entry in ClinVar:

ClinVar aggregate classification (germline): Uncertain significance (1 of 4 stars; one submission).

gnomAD v4.1: 3 of 1,575,124 alleles (0.00019%); highest among the groups gnomAD compares: Non-Finnish European, 0.00026%; no homozygotes.

Submission:

Ambry Genetics
Classification: Uncertain significance. Last evaluated: 2025-04-25. Review status: criteria provided, single submitter. Criteria: Ambry Variant Classification Scheme 2023. Collection method: clinical testing. Allele origin: germline.
Comment: The p.L1888V variant (also known as c.5662C>G), located in coding exon 22 of the WNK2 gene, results from a C to G substitution at nucleotide position 5662. The leucine at codon 1888 is replaced by valine, an amino acid with highly similar properties. This amino acid position is conserved. In addition, this alteration is predicted to be tolerated by in silico analysis. Based on the available evidence, the clinical significance of this variant remains unclear.

NM_006648.4(WNK2):c.5662C>G (p.Leu1888Val)

Gene: WNK2 (WNK lysine deficient protein kinase 2; plus strand). Cytogenetic location: 9q22.31.
Variant type: single nucleotide variant.
Coding change: c.5662C>G on transcript NM_006648.4 (MANE Select); coding-DNA position 5662, C replaced by G.
Protein change: p.Leu1888Val; replaces leucine 1888 with valine.
Molecular consequence: missense variant.
Genome position (GRCh38, 1-based): chr9:93,293,127, C>G. VCF-style: chr9-93293127-C-G. GRCh37 (hg19) VCF-style: chr9-96055409-C-G.
Other names: c.5773C>G, p.Leu1925Val (NM_001282394.3); short protein forms L1925V, L1888V.
Identifiers: ClinVar variation 3981949 (VCV003981949.1).